The following is an entry in ClinVar:

ClinVar aggregate classification (germline): Uncertain significance (1 of 4 stars; one submission).

Conditions:
Duchenne muscular dystrophy (DMD). Also called: MUSCULAR DYSTROPHY, PSEUDOHYPERTROPHIC PROGRESSIVE, DUCHENNE TYPE; Duchenne Muscular Dystrophy (DMD). Identifiers: Orphanet 98896, MedGen C0013264, MONDO:0010679, OMIM 310200.

Submission:

Labcorp Genetics (formerly Invitae), Labcorp
Classification: Uncertain significance for Duchenne muscular dystrophy. Last evaluated: 2023-07-05. Review status: criteria provided, single submitter. Criteria: Invitae Variant Classification Sherloc (09022015). Collection method: clinical testing. Allele origin: germline.
Comment: This sequence change falls in intron 46 of the DMD gene. It does not directly change the encoded amino acid sequence of the DMD protein. It affects a nucleotide within the consensus splice site. This variant is not present in population databases (gnomAD no frequency). This variant has not been reported in the literature in individuals affected with DMD-related conditions. Variants that disrupt the consensus splice site are a relatively common cause of aberrant splicing (PMID: 17576681, 9536098). Algorithms developed to predict the effect of sequence changes on RNA splicing suggest that this variant is not likely to affect RNA splicing. In summary, the available evidence is currently insufficient to determine the role of this variant in disease. Therefore, it has been classified as a Variant of Uncertain Significance.

Literature cited by the submitters: PubMed 17576681; PubMed 9536098.

NM_004006.3(DMD):c.6763-3C>A

Gene: DMD (dystrophin; minus strand). Cytogenetic location: Xp21.1.
Variant type: single nucleotide variant.
Coding change: c.6763-3C>A on transcript NM_004006.3 (MANE Select); 3 bases into the intron before coding-DNA position 6763, C replaced by A.
Molecular consequence: intron variant.
Genome position (GRCh38, 1-based): chrX:31,929,748, G>T on the plus strand (C>A on the coding strand, the complement: DMD is on the minus strand). VCF-style: chrX-31929748-G-T. GRCh37 (hg19) VCF-style: chrX-31947865-G-T.
Other names: c.6739-3C>A (NM_000109.4); c.2740-3C>A (NM_004011.4); c.2731-3C>A (NM_004012.4); c.-618-3C>A (NM_004023.3, NM_004020.4, NM_004022.3 and 2 more transcripts); c.6751-3C>A (NM_004009.3); c.6394-3C>A (NM_004010.3).
Identifiers: ClinVar variation 2909775 (VCV002909775.3), dbSNP rs2094829494, ClinGen allele CA2739265715.
Genomic context (GRCh38, chrX:31,929,748, plus strand): 5'-CAGTTTCATTTAATTGTTTGAGAATTCCCTGGCGCAGGGGCAACTCTTCCACCAGTAACT[G>T]AAACAGACAAATGCAACAACGTTTAAAATGAATTACAGCACAATTCCAACTACCTTGTCT-3'